The following is an entry in ClinVar:

ClinVar aggregate classification (germline): Uncertain significance (1 of 4 stars; one submission).

Conditions:
Charcot-Marie-Tooth disease type 2. Also called: Charcot-Marie-Tooth type 2. Identifiers: Orphanet 64746, MedGen C0270914, MONDO:0018993.

Allele frequency attached by ClinVar (database versions not stated): gnomAD exomes below 0.00001.
gnomAD v4.1: 1 of 1,614,054 alleles (0.000062%); highest among the groups gnomAD compares: East Asian, 0.0022%; no homozygotes.

Submission:

Labcorp Genetics (formerly Invitae), Labcorp
Classification: Uncertain significance for Charcot-Marie-Tooth disease type 2. Last evaluated: 2022-03-01. Review status: criteria provided, single submitter. Criteria: Invitae Variant Classification Sherloc (09022015). Collection method: clinical testing. Allele origin: germline.
Comment: In summary, the available evidence is currently insufficient to determine the role of this variant in disease. Therefore, it has been classified as a Variant of Uncertain Significance. Algorithms developed to predict the effect of missense changes on protein structure and function (SIFT, PolyPhen-2, Align-GVGD) all suggest that this variant is likely to be tolerated. This variant has not been reported in the literature in individuals affected with AARS-related conditions. This variant is not present in population databases (gnomAD no frequency). This sequence change replaces methionine, which is neutral and non-polar, with valine, which is neutral and non-polar, at codon 880 of the AARS protein (p.Met880Val).

NM_001605.3(AARS1):c.2638A>G (p.Met880Val)

Gene: AARS1 (alanyl-tRNA synthetase 1; minus strand). Cytogenetic location: 16q22.1.
Variant type: single nucleotide variant.
Coding change: c.2638A>G on transcript NM_001605.3 (MANE Select); coding-DNA position 2638, A replaced by G.
Protein change: p.Met880Val; replaces methionine 880 with valine.
Molecular consequence: missense variant.
Genome position (GRCh38, 1-based): chr16:70,253,351, T>C on the plus strand (A>G on the coding strand, the complement: AARS1 is on the minus strand). VCF-style: chr16-70253351-T-C. GRCh37 (hg19) VCF-style: chr16-70287254-T-C.
Other names: short protein forms M880V.
Identifiers: ClinVar variation 2105145 (VCV002105145.4), dbSNP rs1418850191, ClinGen allele CA396554770.